The following is an entry in ClinVar:

NM_000419.5(ITGA2B):c.992G>A (p.Gly331Glu)

Gene: ITGA2B (integrin subunit alpha 2b; minus strand). Cytogenetic location: 17q21.31.
Variant type: single nucleotide variant.
Coding change: c.992G>A on transcript NM_000419.5 (MANE Select); coding-DNA position 992, G replaced by A.
Protein change: p.Gly331Glu; replaces glycine 331 with glutamic acid.
Molecular consequence: missense variant.
Genome position (GRCh38, 1-based): chr17:44,383,900, C>T on the plus strand (G>A on the coding strand, the complement: ITGA2B is on the minus strand). VCF-style: chr17-44383900-C-T. GRCh37 (hg19) VCF-style: chr17-42461268-C-T.
Other names: short protein forms G331E.
Identifiers: ClinVar variation 3625844 (VCV003625844.2).

ClinVar aggregate classification (germline): Uncertain significance (1 of 4 stars; one submission).

Conditions:
Glanzmann thrombasthenia. Also called: BLEEDING DISORDER, PLATELET-TYPE, 2; THROMBASTHENIA OF GLANZMANN AND NAEGELI; PLATELET GLYCOPROTEIN IIb-IIIa DEFICIENCY; Thrombasthenia; Glanzmann's thrombasthenia. Identifiers: Orphanet 849, MedGen C0040015, MONDO:0100326.

gnomAD v4.1: 4 of 1,613,812 alleles (0.00025%); highest among the groups gnomAD compares: Non-Finnish European, 0.00034%; no homozygotes.

Submission:

Labcorp Genetics (formerly Invitae), Labcorp
Classification: Uncertain significance for Glanzmann thrombasthenia. Last evaluated: 2024-06-19. Review status: criteria provided, single submitter. Criteria: Invitae Variant Classification Sherloc (09022015). Collection method: clinical testing. Allele origin: germline.
Comment: This sequence change replaces glycine, which is neutral and non-polar, with glutamic acid, which is acidic and polar, at codon 331 of the ITGA2B protein (p.Gly331Glu). This variant is not present in population databases (gnomAD no frequency). This variant has not been reported in the literature in individuals affected with ITGA2B-related conditions. Advanced modeling of protein sequence and biophysical properties (such as structural, functional, and spatial information, amino acid conservation, physicochemical variation, residue mobility, and thermodynamic stability) performed at Invitae indicates that this missense variant is not expected to disrupt ITGA2B protein function with a negative predictive value of 80%. In summary, the available evidence is currently insufficient to determine the role of this variant in disease. Therefore, it has been classified as a Variant of Uncertain Significance.